The following is an entry in ClinVar:

ClinVar aggregate classification (germline): Conflicting classifications of pathogenicity. Review status: criteria provided, conflicting classifications (1 of 4 stars). 22 submissions from 21 submitters: Uncertain significance (5); Benign (1); Likely benign (9). 7 of the submissions do not count toward it. Last evaluated 2026-01-28.

Conditions:
RYR2-related disorder. Also called: RYR2-related condition.
Cardiovascular phenotype. Identifiers: MedGen CN230736.
Arrhythmogenic right ventricular cardiomyopathy (ARVD). Also called: Arrhythmogenic cardiomyopathy; Arrhythmogenic Right Ventricular Cardiomyopathy (ARVC); Cardiomyopathy, ARVC; Arrhythmogenic right ventricular dysplasia. Identifiers: Orphanet 247, MedGen C0349788, MeSH D019571, MONDO:0016587. Disease mechanism: loss of function. Inheritance: Various modes of inheritance.
Cardiomyopathy (CMYO). Also called: Cardiomyopathies. Identifiers: Orphanet 167848, MedGen C0878544, MONDO:0004994, HP:0001638. Inheritance: Various modes of inheritance.
Catecholaminergic polymorphic ventricular tachycardia 1. Also called: VENTRICULAR TACHYCARDIA, CATECHOLAMINERGIC POLYMORPHIC, 1, WITH OR WITHOUT ATRIAL DYSFUNCTION AND/OR DILATED CARDIOMYOPATHY; VENTRICULAR TACHYCARDIA, STRESS-INDUCED POLYMORPHIC 1; RYR2-Related Catecholaminergic Polymorphic Ventricular Tachycardia. Identifiers: Orphanet 3286, MedGen C1631597, MONDO:0011484, OMIM 604772.
Arrhythmogenic right ventricular dysplasia 2. Identifiers: MedGen C1832931.
Wolff-Parkinson-White pattern. Also called: Auriculoventricular accessory pathway syndrome; False bundle branch block syndrome; Anomalous ventricular excitation syndrome; WPW SYNDROME. Identifiers: MedGen C0043202, MONDO:0008685, OMIM 194200, HP:0001716.
Catecholaminergic polymorphic ventricular tachycardia (CVPT). Also called: Catecholamine-induced polymorphic ventricular tachycardia. Identifiers: Orphanet 3286, MedGen C5574922, MONDO:0017990.

Allele frequency attached by ClinVar (database versions not stated): 1000 Genomes Project 30x 0.00016; ESP Exome Variant Server 0.00052; ExAC 0.00057; gnomAD exomes 0.00058 and 0.00141; gnomAD 0.00066 and 0.00069; TOPMed 0.00068.
gnomAD v4.1: 1,979 of 1,519,710 alleles (0.13%); highest among the groups gnomAD compares: Non-Finnish European, 0.17%; 6 homozygotes.

Submissions 1 to 13 of 22:

Labcorp Genetics (formerly Invitae), Labcorp
Classification: Benign for Catecholaminergic polymorphic ventricular tachycardia 1. Last evaluated: 2026-01-28. Review status: criteria provided, single submitter. Criteria: Invitae Variant Classification Sherloc (09022015). Collection method: clinical testing. Allele origin: germline.

Mayo Clinic Laboratories, Mayo Clinic
Classification: Likely benign. Last evaluated: 2025-08-01. Review status: criteria provided, single submitter. Criteria: ACMG Guidelines, 2015. Collection method: clinical testing. Allele origin: germline. Observed: 3 variant alleles.
Comment: BS1

Molecular Diagnostic Laboratory for Inherited Cardiovascular Disease, Montreal Heart Institute
Classification: Likely benign. Last evaluated: 2025-04-09. Review status: criteria provided, single submitter. Criteria: ACMG Guidelines, 2015. Collection method: clinical testing. Allele origin: germline. Affected: no.
Comment: BS1;PP2

Blueprint Genetics
Classification: Likely benign. Last evaluated: 2024-11-01. Review status: criteria provided, single submitter. Criteria: ACMG Guidelines, 2015. Collection method: clinical testing. Allele origin: germline.

All of Us Research Program, National Institutes of Health
Classification: Likely benign for Catecholaminergic polymorphic ventricular tachycardia. Last evaluated: 2024-09-23. Review status: criteria provided, single submitter. Criteria: ACMG Guidelines, 2015. Collection method: clinical testing. Allele origin: germline. Inheritance: Autosomal dominant inheritance. Observed: 243 variant alleles, 243 heterozygotes.
Comment: This study involves interpretation of variants in research participants for the purpose of population health screening. Participant phenotype was not available at the time of variant classification. Additional details can be found in publication PMID: 35346344, PMCID: PMC8962531

Ambry Genetics
Classification: Likely benign for Cardiovascular phenotype. Last evaluated: 2023-07-20. Review status: criteria provided, single submitter. Criteria: Ambry Variant Classification Scheme 2023. Collection method: clinical testing. Allele origin: germline.

Women's Health and Genetics/Laboratory Corporation of America, LabCorp
Classification: Likely benign. Last evaluated: 2020-12-29. Review status: criteria provided, single submitter. Criteria: LabCorp Variant Classification Summary - May 2015. Collection method: clinical testing. Allele origin: germline.
Comment: Variant summary: RYR2 c.8162T>C (p.Ile2721Thr) results in a non-conservative amino acid change located in the Ryanodine receptor Ryr domain (IPR003032) of the encoded protein sequence. Four of five in-silico tools predict a damaging effect of the variant on protein function. The variant allele was found at a frequency of 0.00057 in 137452 control chromosomes, predominantly at a frequency of 0.0012 within the Non-Finnish European subpopulation in the gnomAD database. The observed variant frequency within Non-Finnish European control individuals in the gnomAD database is approximately 20 fold of the estimated maximal expected allele frequency for a pathogenic variant in RYR2 causing Arrhythmia phenotype (6e-05), strongly suggesting that the variant is a benign polymorphism found primarily in populations of Non-Finnish European origin. c.8162T>C has been reported in the literature in individuals affected with Arrhythmia, LQTS, catecholaminergic polymorphic ventricular tachycardia, sudden arrhythmic death syndrome and Wolff-Parkinson-White syndrome (vanSpaendonck_2014, Hertz_2014, Landstrom_2017, Munroe_2018, Raju_2019, Coban-Akdemir_2020). These reports do not provide unequivocal conclusions about association of the variant with Arrhythmia. Co-occurrences with other pathogenic variants have been reported (TTN c.86171_86174dupAAAG, p.Asn28726Lysfs*3; LMNA c.725C>T, p.Ala242Val; KCNH2 c.1286del, p.A429Vfs*5), providing supporting evidence for a benign role. To our knowledge, no experimental evidence demonstrating an impact on protein function has been reported. 11 ClinVar submitters (evaluation after 2014) cite the variant as uncertain significance (6x) and likely benign (5x). Based on the evidence outlined above, the variant was classified as likely benign.

CHEO Genetics Diagnostic Laboratory, Children's Hospital of Eastern Ontario
Classification: Likely benign for Cardiomyopathy. Last evaluated: 2020-03-24. Review status: criteria provided, single submitter. Criteria: ACMG Guidelines, 2015. Collection method: clinical testing. Allele origin: germline.

Color Diagnostics, LLC DBA Color Health
Classification: Likely benign for Cardiomyopathy. Last evaluated: 2018-12-20. Review status: criteria provided, single submitter. Criteria: ACMG Guidelines, 2015. Collection method: clinical testing. Allele origin: germline.
Comment: Likely Benign variant based on current evidence: This missense variant is located in the cytoplasmic domain of the RYR2 protein. Computational prediction tools and conservation analyses suggest that this variant may have deleterious impact on the protein function. Computational splicing tools suggest that this variant may not impact RNA splicing. To our knowledge, functional assays have not been performed for this variant. This variant has been reported in an individual affected with long QT syndrome, who also carried a pathogenic truncation variant in the KCNH2 gene (PMID: 25467552). This variant has been identified in 97/163874 chromosomes (84/68536 non-Finnish European chromosomes, 0.1225%) in the general population by the Genome Aggregation Database (gnomAD). This variant allele frequency is greater than expected for the RYR2-related disorder based on prevalence, penetrance, and genetic heterogeneity. Based on available evidence, this variant is classified as Likely Benign.

Illumina Laboratory Services, Illumina
Classification: Uncertain significance for Catecholaminergic polymorphic ventricular tachycardia 1. Last evaluated: 2017-04-27. Review status: criteria provided, single submitter. Criteria: ICSL Variant Classification Criteria 13 December 2019. Collection method: clinical testing. Allele origin: germline.

Illumina Laboratory Services, Illumina
Classification: Likely benign for Catecholaminergic polymorphic ventricular tachycardia 1. Last evaluated: 2017-04-27. Review status: criteria provided, single submitter. Criteria: ICSL Variant Classification Criteria 13 December 2019. Collection method: clinical testing. Allele origin: germline.
Comment: This variant was observed as part of a predisposition screen in an ostensibly healthy population. A literature search was performed for the gene, cDNA change, and amino acid change (where applicable). No publications were found based on this search. Allele frequency data from public databases allowed determination this variant is unlikely to cause disease. Therefore, this variant is classified as likely benign.

ARUP Laboratories, Molecular Genetics and Genomics, ARUP Laboratories
Classification: Uncertain significance. Last evaluated: 2016-12-01. Review status: criteria provided, single submitter. Criteria: ARUP Molecular Germline Variant Investigation Process. Collection method: clinical testing. Allele origin: germline.

CSER _CC_NCGL, University of Washington
Classification: Uncertain significance for Arrhythmogenic right ventricular dysplasia. Last evaluated: 2016-10-01. Review status: criteria provided, single submitter. Criteria: Amendola et al. (Genome Res. 2015). Collection method: research. Allele origin: germline. Affected: no. Study: CSER - NEXT Medicine variant annotation.
Comment: This interpretation considers GERP score and allele frequency data, in addition to published reports of the variant in the literature, available at the time of review.

NM_001035.3(RYR2):c.8162T>C (p.Ile2721Thr)

Gene: RYR2 (ryanodine receptor 2; plus strand). Cytogenetic location: 1q43.
Variant type: single nucleotide variant.
Coding change: c.8162T>C on transcript NM_001035.3 (MANE Select); coding-DNA position 8162, T replaced by C.
Protein change: p.Ile2721Thr; replaces isoleucine 2721 with threonine.
Molecular consequence: missense variant.
Genome position (GRCh38, 1-based): chr1:237,657,976, T>C. VCF-style: chr1-237657976-T-C. GRCh37 (hg19) VCF-style: chr1-237821276-T-C.
Other names: p.I2721T:ATT>ACT; short protein forms I2721T.
Identifiers: ClinVar variation 43828 (VCV000043828.60), dbSNP rs201500134, ClinGen allele CA010859.